The following is an entry in ClinVar:

ClinVar aggregate classification (germline): Conflicting classifications of pathogenicity. Review status: criteria provided, conflicting classifications (1 of 4 stars). 9 submissions from 9 submitters: Uncertain significance (3); Likely benign (3). 3 of the submissions do not count toward it. Last evaluated 2026-01-15.

Conditions:
Qualitative or quantitative defects of beta-sarcoglycan. Identifiers: Orphanet 207063, MedGen C2930900, MONDO:0016142.
Autosomal recessive limb-girdle muscular dystrophy type 2E (LGMDR4). Also called: MUSCULAR DYSTROPHY, LIMB-GIRDLE, AUTOSOMAL RECESSIVE 4. Identifiers: Orphanet 119, MedGen C1858593, MONDO:0011423, OMIM 604286. Disease mechanism: Affects gamma-sarcoglycan and also disrupts the integrity of the entire sarcoglycan complex..

Allele frequency attached by ClinVar (database versions not stated): ExAC 0.00015; gnomAD exomes 0.00016 and 0.00044; gnomAD 0.00025; TOPMed 0.00026; ESP Exome Variant Server 0.00054.
gnomAD v4.1: 674 of 1,613,668 alleles (0.042%); highest among the groups gnomAD compares: Non-Finnish European, 0.055%; no homozygotes.

Submissions (9):

Labcorp Genetics (formerly Invitae), Labcorp
Classification: Likely benign for Autosomal recessive limb-girdle muscular dystrophy type 2E. Last evaluated: 2026-01-15. Review status: criteria provided, single submitter. Criteria: Invitae Variant Classification Sherloc (09022015). Collection method: clinical testing. Allele origin: germline.

CeGaT Center for Human Genetics Tuebingen
Classification: Uncertain significance. Last evaluated: 2024-09-01. Review status: criteria provided, single submitter. Criteria: CeGaT Center For Human Genetics Tuebingen Variant Classification Criteria Version 2. Collection method: clinical testing. Allele origin: germline. Affected: yes. Observed: 1 variant allele.
Comment: SGCB: PM2:Supporting, BP4

Blueprint Genetics
Classification: Likely benign. Last evaluated: 2023-08-03. Review status: criteria provided, single submitter. Criteria: ACMG Guidelines, 2015. Collection method: clinical testing. Allele origin: germline.

GeneDx
Classification: Likely benign. Last evaluated: 2020-04-17. Review status: criteria provided, single submitter. Criteria: GeneDx Variant Classification Process June 2021. Collection method: clinical testing. Allele origin: germline. Affected: yes.

Illumina Laboratory Services, Illumina
Classification: Uncertain significance for Qualitative or quantitative defects of beta-sarcoglycan. Last evaluated: 2018-01-13. Review status: criteria provided, single submitter. Criteria: ICSL Variant Classification Criteria 13 December 2019. Collection method: clinical testing. Allele origin: germline.

Eurofins Ntd Llc (ga)
Classification: Uncertain significance. Last evaluated: 2017-12-22. Review status: criteria provided, single submitter. Criteria: EGL Classification Definitions 2015. Collection method: clinical testing. Allele origin: germline. Observed: 5 variant alleles, 5 heterozygotes.

Natera, Inc.
Classification: Likely benign for Limb-girdle muscular dystrophy type 2E. Last evaluated: 2020-09-16. Review status: no assertion criteria provided. Collection method: clinical testing. Allele origin: germline. Not counted in ClinVar's aggregate classification.

Joint Genome Diagnostic Labs from Nijmegen and Maastricht, Radboudumc and MUMC+
Classification: Likely benign. Review status: no assertion criteria provided. Collection method: clinical testing. Allele origin: germline. Affected: yes. Study: VKGL Data-share Consensus. Not counted in ClinVar's aggregate classification.

Laboratory of Diagnostic Genome Analysis, Leiden University Medical Center (LUMC)
Classification: Likely benign. Review status: no assertion criteria provided. Collection method: clinical testing. Allele origin: germline. Affected: yes. Study: VKGL Data-share Consensus. Not counted in ClinVar's aggregate classification.

NM_000232.5(SGCB):c.495C>T (p.Asp165=)

Gene: SGCB (sarcoglycan beta; minus strand). Cytogenetic location: 4q12.
Variant type: single nucleotide variant.
Coding change: c.495C>T on transcript NM_000232.5 (MANE Select); coding-DNA position 495, C replaced by T.
Protein change: p.Asp165=; no amino-acid change (aspartic acid 165 retained).
Molecular consequence: synonymous variant.
Genome position (GRCh38, 1-based): chr4:52,028,856, G>A on the plus strand (C>T on the coding strand, the complement: SGCB is on the minus strand). VCF-style: chr4-52028856-G-A. GRCh37 (hg19) VCF-style: chr4-52895022-G-A.
Identifiers: ClinVar variation 288286 (VCV000288286.41), dbSNP rs142801720, ClinGen allele CA2918378.